The following is an entry in ClinVar:

NM_001849.4(COL6A2):c.1521+21A>G

Gene: COL6A2 (collagen type VI alpha 2 chain; plus strand). Cytogenetic location: 21q22.3.
Variant type: single nucleotide variant.
Coding change: c.1521+21A>G on transcript NM_001849.4 (MANE Select); 21 bases into the intron after coding-DNA position 1521, A replaced by G.
Molecular consequence: intron variant.
Genome position (GRCh38, 1-based): chr21:46,121,639, A>G. VCF-style: chr21-46121639-A-G. GRCh37 (hg19) VCF-style: chr21-47541553-A-G.
Other names: c.1521+21A>G (NM_058175.3, NM_058174.3).
Identifiers: ClinVar variation 93908 (VCV000093908.7), dbSNP rs1077182, ClinGen allele CA147431.

ClinVar aggregate classification (germline): Benign. Review status: criteria provided, multiple submitters, no conflicts (2 of 4 stars). 4 submissions from 4 submitters: Benign (4). Last evaluated 2018-06-19.

Allele frequency attached by ClinVar (database versions not stated): 1000 Genomes Project 0.07348; 1000 Genomes Project 30x 0.07542; gnomAD 0.11799 and 0.11912; TOPMed 0.11840; gnomAD exomes 0.12040 and 0.16816; ExAC 0.12275; ESP Exome Variant Server 0.14167.
gnomAD v4.1: 262,570 of 1,611,126 alleles (16%); highest among the groups gnomAD compares: Non-Finnish European, 19%; 24,307 homozygotes.

Submissions (4):

GeneDx
Classification: Benign. Last evaluated: 2018-06-19. Review status: criteria provided, single submitter. Criteria: GeneDx Variant Classification (06012015). Collection method: clinical testing. Allele origin: germline. Affected: yes.
Comment: This variant is considered likely benign or benign based on one or more of the following criteria: it is a conservative change, it occurs at a poorly conserved position in the protein, it is predicted to be benign by multiple in silico algorithms, and/or has population frequency not consistent with disease.

Eurofins Ntd Llc (ga)
Classification: Benign. Last evaluated: 2012-11-16. Review status: criteria provided, single submitter. Criteria: EGL Classification Definitions 2015. Collection method: clinical testing. Allele origin: germline. Observed: 7 variant alleles, 7 heterozygotes.

Breakthrough Genomics
Classification: Benign. Review status: criteria provided, single submitter. Criteria: ACMG Guidelines, 2015. Collection method: not provided. Allele origin: germline. Inheritance: Autosomal recessive inheritance. Affected: yes.

PreventionGenetics, part of Exact Sciences
Classification: Benign. Review status: criteria provided, single submitter. Criteria: ACMG Guidelines, 2015. Collection method: clinical testing. Allele origin: germline.